The following is an entry in ClinVar:

ClinVar aggregate classification (germline): Uncertain significance. Review status: criteria provided, multiple submitters, no conflicts (2 of 4 stars). 2 submissions from 2 submitters: Uncertain significance (2). Last evaluated 2025-03-07.

Conditions:
Spermatogenic failure 28. Identifiers: MedGen C4748117, MONDO:0054732, OMIM 618086.
Premature ovarian failure 15. Identifiers: MedGen C4748170, MONDO:0054862, OMIM 618096.
Inborn genetic diseases. Identifiers: MedGen C0950123, MeSH D030342.

Submissions (2):

Ambry Genetics
Classification: Uncertain significance for Inborn genetic diseases. Last evaluated: 2025-03-07. Review status: criteria provided, single submitter. Criteria: Ambry Variant Classification Scheme 2023. Collection method: clinical testing. Allele origin: germline.
Comment: The p.E1113G variant (also known as c.3338A>G), located in coding exon 14 of the FANCM gene, results from an A to G substitution at nucleotide position 3338. The glutamic acid at codon 1113 is replaced by glycine, an amino acid with similar properties. This amino acid position is conserved. In addition, this alteration is predicted to be tolerated by in silico analysis. Based on the available evidence, the clinical significance of this variant remains unclear.

Fulgent Genetics
Classification: Uncertain significance for Spermatogenic failure 28; Premature ovarian failure 15. Last evaluated: 2024-03-01. Review status: criteria provided, single submitter. Criteria: ACMG Guidelines, 2015. Collection method: clinical testing. Allele origin: germline.

NM_020937.4(FANCM):c.3338A>G (p.Glu1113Gly)

Gene: FANCM (FA complementation group M; plus strand). Cytogenetic location: 14q21.2.
Variant type: single nucleotide variant.
Coding change: c.3338A>G on transcript NM_020937.4 (MANE Select); coding-DNA position 3338, A replaced by G.
Protein change: p.Glu1113Gly; replaces glutamic acid 1113 with glycine.
Molecular consequence: missense variant.
Genome position (GRCh38, 1-based): chr14:45,176,092, A>G. VCF-style: chr14-45176092-A-G. GRCh37 (hg19) VCF-style: chr14-45645295-A-G.
Other names: c.3260A>G, p.Glu1087Gly (NM_001308133.2); short protein forms E1087G, E1113G.
Identifiers: ClinVar variation 3576585 (VCV003576585.2).